The following is an entry in ClinVar:

NM_000051.4(ATM):c.3698C>G (p.Ser1233Cys)

Gene: ATM (ATM serine/threonine kinase; plus strand). Cytogenetic location: 11q22.3.
Variant type: single nucleotide variant.
Coding change: c.3698C>G on transcript NM_000051.4 (MANE Select); coding-DNA position 3698, C replaced by G.
Protein change: p.Ser1233Cys; replaces serine 1233 with cysteine.
Molecular consequence: missense variant.
Genome position (GRCh38, 1-based): chr11:108,282,831, C>G. VCF-style: chr11-108282831-C-G. GRCh37 (hg19) VCF-style: chr11-108153558-C-G.
Other names: c.3698C>G, p.Ser1233Cys (NM_001351834.2); short protein forms S1233C.
Identifiers: ClinVar variation 3445960 (VCV003445960.1).

ClinVar aggregate classification (germline): Uncertain significance (1 of 4 stars; one submission).

Conditions:
Hereditary cancer-predisposing syndrome. Also called: Tumor predisposition; Neoplastic Syndromes, Hereditary; Hereditary neoplastic syndrome; Hereditary Cancer Syndrome. Identifiers: Orphanet 140162, MedGen C0027672, MeSH D009386, MONDO:0015356.

gnomAD v4.1: 1 of 1,538,408 alleles (0.000065%); highest among the groups gnomAD compares: Non-Finnish European, 0.00009%; no homozygotes.

Submission:

Ambry Genetics
Classification: Uncertain significance for Hereditary cancer-predisposing syndrome. Last evaluated: 2024-11-09. Review status: criteria provided, single submitter. Criteria: Ambry Variant Classification Scheme 2023. Collection method: clinical testing. Allele origin: germline.
Comment: The p.S1233C variant (also known as c.3698C>G), located in coding exon 24 of the ATM gene, results from a C to G substitution at nucleotide position 3698. The serine at codon 1233 is replaced by cysteine, an amino acid with dissimilar properties. This amino acid position is well conserved in available vertebrate species. In addition, the in silico prediction for this alteration is inconclusive. Based on the available evidence, the clinical significance of this variant remains unclear.